The following is an entry in ClinVar:

ClinVar aggregate classification (germline): Pathogenic/Likely pathogenic. Review status: criteria provided, multiple submitters, no conflicts (2 of 4 stars). 11 submissions from 11 submitters: Pathogenic (9); Likely pathogenic (1). 1 of the submissions does not count toward it. Last evaluated 2025-10-23.

Conditions:
Cardiovascular phenotype. Identifiers: MedGen CN230736.
Marfan syndrome (MFS). Also called: Marfan syndrome, classic; FBN1-Related Marfan Syndrome; Marfan syndrome type 1; Marfan's syndrome; MARFAN SYNDROME, TYPE I. Identifiers: Orphanet 284963, Orphanet 558, MedGen C0024796, MONDO:0007947, OMIM 154700.
Familial thoracic aortic aneurysm and aortic dissection (TAAD). Also called: Thoracic aortic aneurysms and dissections. Identifiers: Orphanet 91387, MedGen C4707243, MONDO:0019625.
FBN1-related disorder. Also called: FBN1-related disorders.

Submissions (11):

Molecular Diagnostic Laboratory for Inherited Cardiovascular Disease, Montreal Heart Institute
Classification: Pathogenic for Cardiovascular phenotype. Last evaluated: 2025-10-23. Review status: criteria provided, single submitter. Criteria: ACMG Guidelines, 2015. Collection method: clinical testing. Allele origin: germline. Affected: yes.
Comment: PVS1, PS4, PM2, PP4

Labcorp Genetics (formerly Invitae), Labcorp
Classification: Pathogenic for Marfan syndrome; Familial thoracic aortic aneurysm and aortic dissection. Last evaluated: 2025-04-08. Review status: criteria provided, single submitter. Criteria: Invitae Variant Classification Sherloc (09022015). Collection method: clinical testing. Allele origin: germline.
Comment: This sequence change creates a premature translational stop signal (p.Arg1125*) in the FBN1 gene. It is expected to result in an absent or disrupted protein product. Loss-of-function variants in FBN1 are known to be pathogenic (PMID: 17657824, 19293843). This variant is not present in population databases (gnomAD no frequency). This premature translational stop signal has been observed in individuals with Marfan syndrome (PMID: 16220557, 19839986, 23684891, 27011056, 29357934, 29907982). It has also been observed to segregate with disease in related individuals. ClinVar contains an entry for this variant (Variation ID: 179632). For these reasons, this variant has been classified as Pathogenic.

PreventionGenetics, part of Exact Sciences
Classification: Pathogenic for FBN1-related condition. Last evaluated: 2025-01-27. Review status: criteria provided, single submitter. Criteria: ACMG Guidelines, 2015. Collection method: clinical testing. Allele origin: germline.
Comment: The FBN1 c.3373C>T variant is predicted to result in premature protein termination (p.Arg1125*). This variant has been reported in numerous individuals with Marfan syndrome (see for example, Rommel et al. 2005. PubMed ID: 16220557; Hung et al. 2009. PubMed ID: 19839986; Mannucci et al. 2019. PubMed ID: 31730815). This variant has not been reported in a large population database, indicating this variant is rare. Nonsense variants in FBN1 are expected to be pathogenic. This variant is interpreted as pathogenic.

GeneDx
Classification: Pathogenic. Last evaluated: 2024-07-09. Review status: criteria provided, single submitter. Criteria: GeneDx Variant Classification Process June 2021. Collection method: clinical testing. Allele origin: germline. Affected: yes.
Comment: Reported in multiple patients with clinical features of Marfan syndrome in published literature and found to segregate with disease in at least one family (PMID: 18435798, 16220557, 17657824, 19839986, 19293843, 21883168, 29357934); Nonsense variant predicted to result in protein truncation or nonsense mediated decay in a gene for which loss of function is a known mechanism of disease; Not observed at significant frequency in large population cohorts (gnomAD); This variant is associated with the following publications: (PMID: 21883168, 24941995, 31730815, 25525159, 16220557, 19012347, 19293843, 19618372, 27011056, 19839986, 17657824, 29907982, 29357934, 31536524, 35058154, 34150014, 23684891, 35972748, 36945115, 18435798)

ARUP Laboratories, Molecular Genetics and Genomics, ARUP Laboratories
Classification: Pathogenic. Last evaluated: 2024-07-05. Review status: criteria provided, single submitter. Criteria: ARUP Molecular Germline Variant Investigation Process 2024. Collection method: clinical testing. Allele origin: germline.
Comment: The FBN1 c.3373C>T; p.Arg1125Ter variant (rs727505006) is reported in the literature in individuals with clinical features of Marfan syndrome (Becerra-Munoz 2018, Mannucci 2020, Overwater 2018, Rommel 2005, Weerakkody 2016), and is classified as pathogenic by multiple laboratories in ClinVar (Variation ID: 179632). This variant is absent from the Genome Aggregation Database, indicating it is not a common polymorphism. This variant induces an early termination codon and is predicted to result in a truncated protein or mRNA subject to nonsense-mediated decay. Based on available information, this variant is considered to be pathogenic. References: Becerra-Munoz VM et al. The importance of genotype-phenotype correlation in the clinical management of Marfan syndrome. Orphanet J Rare Dis. 2018 Jan 22;13(1):16. PMID: 29357934. Mannucci L et al. Mutation analysis of the FBN1 gene in a cohort of patients with Marfan Syndrome: A 10-year single center experience. Clin Chim Acta. 2020 Feb;501:154-164. PMID: 31730815. Overwater E et al. Results of next-generation sequencing gene panel diagnostics including copy-number variation analysis in 810 patients suspected of heritable thoracic aortic disorders. Hum Mutat. 2018 Sep;39(9):1173-1192. PMID: 29907982. Rommel K et al. Identification of 29 novel and nine recurrent fibrillin-1 (FBN1) mutations and genotype-phenotype correlations in 76 patients with Marfan syndrome. Hum Mutat. 2005 Dec;26(6):529-39. PMID: 16220557. Weerakkody RA et al. Targeted next-generation sequencing makes new molecular diagnoses and expands genotype-phenotype relationship in Ehlers-Danlos syndrome. Genet Med. 2016 Nov;18(11):1119-1127. PMID: 27011056.

Ambry Genetics
Classification: Pathogenic for Familial thoracic aortic aneurysm and aortic dissection. Last evaluated: 2023-11-15. Review status: criteria provided, single submitter. Criteria: Ambry Variant Classification Scheme 2023. Collection method: clinical testing. Allele origin: germline.
Comment: The p.R1125* pathogenic mutation (also known as c.3373C>T), located in coding exon 27 of the FBN1 gene, results from a C to T substitution at nucleotide position 3373. This changes the amino acid from an arginine to a stop codon within coding exon 27. This variant has been detected in multiple unrelated individuals with Marfan syndrome (MFS), or features consistent with a diagnoses of MFS (Comeglio P et al. Hum Mutat, 2007 Sep;28:928; Attanasio M et al. Clin Genet, 2008 Jul;74:39-46; Stheneur C et al. Eur J Hum Genet, 2009 Sep;17:1121-8; Hung CC et al. Ann Hum Genet, 2009 Nov;73:559-67; Sheikhzadeh S et al. Clin Genet, 2012 Sep;82:240-7; Becerra-Mu&ntilde;oz VM et al. Orphanet J Rare Dis, 2018 Jan;13:16; Mannucci L et al. Clin Chim Acta, 2020 Feb;501:154-164; Li Y et al. Am J Transl Res, 2021 May;13:4281-4295; Meester JAN et al. Genet Med, 2022 May;24:1045-1053). This variant is considered to be rare based on population cohorts in the Genome Aggregation Database (gnomAD). This alteration is expected to result in loss of function by premature protein truncation or nonsense-mediated mRNA decay. As such, this alteration is interpreted as a disease-causing mutation.

Blueprint Genetics
Classification: Pathogenic for FBN1-related disorders. Last evaluated: 2022-09-20. Review status: criteria provided, single submitter. Criteria: ACMG Guidelines, 2015. Collection method: clinical testing. Allele origin: germline. Affected: yes. Observed: 2 variant alleles.

Centre of Medical Genetics, University of Antwerp
Classification: Pathogenic for Marfan syndrome. Last evaluated: 2021-03-01. Review status: criteria provided, single submitter. Criteria: Submitter's publication. Collection method: research. Allele origin: unknown. Affected: yes.
Comment: PM2, PVS1, PP4

CHEO Genetics Diagnostic Laboratory, Children's Hospital of Eastern Ontario
Classification: Likely pathogenic for Familial thoracic aortic aneurysm and aortic dissection. Last evaluated: 2016-03-30. Review status: criteria provided, single submitter. Criteria: ACMG Guidelines, 2015. Collection method: clinical testing. Allele origin: germline. Study: Canadian Open Genetics Repository.

Laboratory for Molecular Medicine, Mass General Brigham Personalized Medicine
Classification: Pathogenic for Marfan syndrome. Last evaluated: 2014-03-06. Review status: criteria provided, single submitter. Criteria: LMM Criteria. Collection method: clinical testing. Allele origin: germline. Inheritance: Autosomal dominant inheritance. Observed: 1 variant allele.
Comment: The Arg1125X variant in FBN1 has been reported in six individuals with clinical features of Marfan syndrome (Attanasio 2008, Comeglio 2007, Hung 2009, Rommel 20 05, Stheneur 2009, Sheikhzadeh 2012). This nonsense variant leads to a premature termination codon at position 1125, which is predicted to lead to a truncated o r absent protein. Heterozygous loss of function of the FBN1 gene is an establish ed disease mechanism in Marfan syndrome. In summary, this variant meets our crit eria to be classified as pathogenic.

Center for Medical Genetics Ghent, University of Ghent
Classification: Pathogenic for Marfan syndrome. Last evaluated: 2017-11-07. Review status: no assertion criteria provided. Collection method: clinical testing. Allele origin: germline. Affected: yes. Not counted in ClinVar's aggregate classification.

Literature cited by the submitters: PubMed 17657824 (cited by 3 submitters); PubMed 19293843 (cited by 3 submitters); PubMed 16220557 (cited by Labcorp Genetics (formerly Invitae), Labcorp and Laboratory for Molecular Medicine, Mass General Brigham Personalized Medicine); PubMed 19839986 (cited by 3 submitters); PubMed 23684891 (cited by Labcorp Genetics (formerly Invitae), Labcorp); PubMed 27011056 (cited by Labcorp Genetics (formerly Invitae), Labcorp); PubMed 29357934 (cited by Labcorp Genetics (formerly Invitae), Labcorp and Ambry Genetics); PubMed 29907982 (cited by Labcorp Genetics (formerly Invitae), Labcorp); PubMed 18435798 (cited by Ambry Genetics and Laboratory for Molecular Medicine, Mass General Brigham Personalized Medicine); PubMed 21883168 (cited by Ambry Genetics and Laboratory for Molecular Medicine, Mass General Brigham Personalized Medicine); PubMed 31730815 (cited by Ambry Genetics); PubMed 34150014 (cited by Ambry Genetics); PubMed 35058154 (cited by Ambry Genetics).

NM_000138.5(FBN1):c.3373C>T (p.Arg1125Ter)

Gene: FBN1 (fibrillin 1; minus strand). Cytogenetic location: 15q21.1.
Variant type: single nucleotide variant.
Coding change: c.3373C>T on transcript NM_000138.5 (MANE Select); coding-DNA position 3373, C replaced by T.
Protein change: p.Arg1125Ter; replaces arginine 1125 with a stop codon.
Molecular consequence: nonsense.
Genome position (GRCh38, 1-based): chr15:48,487,402, G>A on the plus strand (C>T on the coding strand, the complement: FBN1 is on the minus strand). VCF-style: chr15-48487402-G-A. GRCh37 (hg19) VCF-style: chr15-48779599-G-A.
Other names: short protein forms R1125*.
Identifiers: ClinVar variation 179632 (VCV000179632.41), dbSNP rs727505006, ClinGen allele CA014004.
Genomic context (GRCh38, chr15:48,487,402, plus strand): 5'-GATGGCCAGGCGGGCATTCACAGCGGTAACTTCCCTCTGTGTTATGGCAAACACCACCTC[G>A]GCATAGGAGAGGATCTCTCTGACACTCATCAATATCTGCAAAATGGAAATGACCATGTTA-3'